The following is an entry in ClinVar:

ClinVar aggregate classification (germline): Pathogenic/Likely pathogenic. Review status: criteria provided, multiple submitters, no conflicts (2 of 4 stars). 3 submissions from 3 submitters: Pathogenic (2); Likely pathogenic (1). Last evaluated 2025-06-17.

Conditions:
Loeys-Dietz syndrome (LDS). Identifiers: Orphanet 60030, MedGen C2697932, MONDO:0018954.
Familial thoracic aortic aneurysm and aortic dissection (TAAD). Also called: Thoracic aortic aneurysms and dissections. Identifiers: Orphanet 91387, MedGen C4707243, MONDO:0019625.

Submissions (3):

Labcorp Genetics (formerly Invitae), Labcorp
Classification: Pathogenic for Familial thoracic aortic aneurysm and aortic dissection. Last evaluated: 2025-06-17. Review status: criteria provided, single submitter. Criteria: Invitae Variant Classification Sherloc (09022015). Collection method: clinical testing. Allele origin: germline.
Comment: This sequence change creates a premature translational stop signal (p.Gln316*) in the SMAD3 gene. It is expected to result in an absent or disrupted protein product. Loss-of-function variants in SMAD3 are known to be pathogenic (PMID: 21778426, 24804794). This variant is not present in population databases (gnomAD no frequency). This variant has not been reported in the literature in individuals affected with SMAD3-related conditions. ClinVar contains an entry for this variant (Variation ID: 642412). Algorithms developed to predict the effect of sequence changes on RNA splicing suggest that this variant may disrupt the consensus splice site. For these reasons, this variant has been classified as Pathogenic.

Color Diagnostics, LLC DBA Color Health
Classification: Pathogenic for Familial thoracic aortic aneurysm and aortic dissection. Last evaluated: 2025-06-03. Review status: criteria provided, single submitter. Criteria: ACMG Guidelines, 2015. Collection method: clinical testing. Allele origin: germline.
Comment: This variant changes 1 nucleotide in exon 7 of the SMAD3 gene, creating a premature translation stop signal. This variant is expected to result in an absent or non-functional protein product. To our knowledge, this variant has not been reported in individuals affected with SMAD3-related disorders in the literature. This variant has not been identified in the general population by the Genome Aggregation Database (gnomAD). Loss of SMAD3 function is a known mechanism of disease. Based on the available evidence, this variant is classified as Pathogenic.

Laboratory for Molecular Medicine, Mass General Brigham Personalized Medicine
Classification: Likely pathogenic for Loeys-Dietz syndrome. Last evaluated: 2019-04-16. Review status: criteria provided, single submitter. Criteria: ACMG Guidelines, 2015. Collection method: clinical testing. Allele origin: germline. Inheritance: Autosomal dominant inheritance.
Comment: The p.Gln316X variant in SMAD3 has not been previously reported in individuals with clinical features of Loeys-Dietz syndrome type 3 (LDS3) and was absent from large population studies. This nonsense variant leads to a premature termination codon at position 316, which is predicted to lead to a truncated or absent protein. Heterozygous loss of function of the SMAD3 gene is an established disease mechanism in autosomal dominant LDS3. In summary, although additional studies are required to fully establish its clinical significance, the p.Gln316X variant meets criteria to be classified as likely pathogenic for autosomal dominant LDS3. ACMG/AMP criteria applied: PVS1, PM2.

Literature cited by the submitters: PubMed 21778426 (cited by Labcorp Genetics (formerly Invitae), Labcorp); PubMed 24804794 (cited by Labcorp Genetics (formerly Invitae), Labcorp).

NM_005902.4(SMAD3):c.946C>T (p.Gln316Ter)

Gene: SMAD3 (SMAD family member 3; plus strand). Cytogenetic location: 15q22.33.
Variant type: single nucleotide variant.
Coding change: c.946C>T on transcript NM_005902.4 (MANE Select); coding-DNA position 946, C replaced by T.
Protein change: p.Gln316Ter; replaces glutamine 316 with a stop codon.
Molecular consequence: nonsense.
Genome position (GRCh38, 1-based): chr15:67,184,801, C>T. VCF-style: chr15-67184801-C-T. GRCh37 (hg19) VCF-style: chr15-67477139-C-T.
Other names: c.631C>T, p.Gln211Ter (NM_001145102.2); c.814C>T, p.Gln272Ter (NM_001145103.2); c.361C>T, p.Gln121Ter (NM_001145104.2); short protein forms Q121*, Q272*, Q211*, Q316*.
Identifiers: ClinVar variation 642412 (VCV000642412.9), dbSNP rs1595960447, ClinGen allele CA392957037.
Genomic context (GRCh38, chr15:67,184,801, plus strand): 5'-CTCTACTACATCGGAGGGGAGGTCTTCGCAGAGTGCCTCAGTGACAGCGCTATTTTTGTC[C>T]AGTCTCCCAACTGTAACCAGCGCTATGGCTGGCACCCGGCCACCGTCTGCAAGATCCCAC-3'